The following is an entry in ClinVar:

ClinVar aggregate classification (germline): Uncertain significance (1 of 4 stars; one submission).

Conditions:
Nemaline myopathy 2 (NEM2). Also called: Nemaline myopathy 2, autosomal recessive. Identifiers: MedGen C1850569, MONDO:0009725, OMIM 256030.

gnomAD v4.1: 6 of 1,613,924 alleles (0.00037%); highest among the groups gnomAD compares: African/African-American, 0.0067%; no homozygotes.

Submission:

Labcorp Genetics (formerly Invitae), Labcorp
Classification: Uncertain significance for Nemaline myopathy 2. Last evaluated: 2024-07-29. Review status: criteria provided, single submitter. Criteria: Invitae Variant Classification Sherloc (09022015). Collection method: clinical testing. Allele origin: germline.
Comment: This sequence change replaces aspartic acid, which is acidic and polar, with asparagine, which is neutral and polar, at codon 3542 of the NEB protein (p.Asp3542Asn). This variant is not present in population databases (gnomAD no frequency). This variant has not been reported in the literature in individuals affected with NEB-related conditions. ClinVar contains an entry for this variant (Variation ID: 1400593). Experimental studies and prediction algorithms are not available or were not evaluated, and the functional significance of this variant is currently unknown. In summary, the available evidence is currently insufficient to determine the role of this variant in disease. Therefore, it has been classified as a Variant of Uncertain Significance.

NM_001164508.2(NEB):c.10624G>A (p.Asp3542Asn)

Gene: NEB (nebulin; minus strand). Cytogenetic location: 2q23.3.
Variant type: single nucleotide variant.
Coding change: c.10624G>A on transcript NM_001164508.2 (MANE Select); coding-DNA position 10624, G replaced by A.
Protein change: p.Asp3542Asn; replaces aspartic acid 3542 with asparagine.
Molecular consequence: missense variant.
Genome position (GRCh38, 1-based): chr2:151,619,699, C>T on the plus strand (G>A on the coding strand, the complement: NEB is on the minus strand). VCF-style: chr2-151619699-C-T. GRCh37 (hg19) VCF-style: chr2-152476213-C-T.
Other names: c.10624G>A, p.Asp3542Asn (NM_001164507.2, NM_001271208.2); c.9895G>A, p.Asp3299Asn (NM_004543.5); short protein forms D3299N, D3542N.
Identifiers: ClinVar variation 1400593 (VCV001400593.5), dbSNP rs777939660, ClinGen allele CA348788621.